The following is an entry in ClinVar:

ClinVar aggregate classification (germline): Uncertain significance (1 of 4 stars; one submission).

Conditions:
Propionic acidemia (PROP). Also called: GLYCINEMIA, KETOTIC; HYPERGLYCINEMIA WITH KETOACIDOSIS AND LEUKOPENIA; KETOTIC HYPERGLYCINEMIA. Identifiers: Orphanet 35, MedGen C0268579, MONDO:0011628, OMIM 606054, HP:0003571.

Allele frequency attached by ClinVar (database versions not stated): gnomAD exomes below 0.00001; TOPMed below 0.00001.
gnomAD v4.1: 3 of 1,613,348 alleles (0.00019%); highest among the groups gnomAD compares: African/African-American, 0.0013%; no homozygotes.

Submission:

Labcorp Genetics (formerly Invitae), Labcorp
Classification: Uncertain significance for Propionic acidemia. Last evaluated: 2022-04-15. Review status: criteria provided, single submitter. Criteria: Invitae Variant Classification Sherloc (09022015). Collection method: clinical testing. Allele origin: germline.
Comment: This sequence change replaces threonine, which is neutral and polar, with serine, which is neutral and polar, at codon 312 of the PCCA protein (p.Thr312Ser). This variant is not present in population databases (gnomAD no frequency). This variant has not been reported in the literature in individuals affected with PCCA-related conditions. Advanced modeling of protein sequence and biophysical properties (such as structural, functional, and spatial information, amino acid conservation, physicochemical variation, residue mobility, and thermodynamic stability) performed at Invitae indicates that this missense variant is expected to disrupt PCCA protein function. In summary, the available evidence is currently insufficient to determine the role of this variant in disease. Therefore, it has been classified as a Variant of Uncertain Significance.

NM_000282.4(PCCA):c.934A>T (p.Thr312Ser)

Gene: PCCA (propionyl-CoA carboxylase subunit alpha; plus strand). Cytogenetic location: 13q32.3.
Variant type: single nucleotide variant.
Coding change: c.934A>T on transcript NM_000282.4 (MANE Select); coding-DNA position 934, A replaced by T.
Protein change: p.Thr312Ser; replaces threonine 312 with serine.
Molecular consequence: missense variant. On other transcripts: 5 prime UTR variant (3), non-coding transcript variant (5).
Genome position (GRCh38, 1-based): chr13:100,273,215, A>T. VCF-style: chr13-100273215-A-T. GRCh37 (hg19) VCF-style: chr13-100925469-A-T.
Other names: c.856A>T, p.Thr286Ser (NM_001127692.3, NM_001352607.2, NM_001352608.2); c.934A>T, p.Thr312Ser (NM_001178004.2, NM_001352605.2, NM_001352606.2 and 1 more transcripts); c.-12A>T (NM_001352610.2, NM_001352611.2, NM_001352612.2); short protein forms T312S, T286S.
Identifiers: ClinVar variation 2200904 (VCV002200904.1), dbSNP rs2063420337, ClinGen allele CA388694715.